The following is an entry in ClinVar:

ClinVar aggregate classification (germline): Uncertain significance (1 of 4 stars; one submission).

Submission:

Labcorp Genetics (formerly Invitae), Labcorp
Classification: Uncertain significance. Last evaluated: 2022-08-07. Review status: criteria provided, single submitter. Criteria: Invitae Variant Classification Sherloc (09022015). Collection method: clinical testing. Allele origin: germline.
Comment: In summary, the available evidence is currently insufficient to determine the role of this variant in disease. Therefore, it has been classified as a Variant of Uncertain Significance. Algorithms developed to predict the effect of missense changes on protein structure and function (SIFT, PolyPhen-2, Align-GVGD) all suggest that this variant is likely to be tolerated. ClinVar contains an entry for this variant (Variation ID: 1438046). This variant has not been reported in the literature in individuals affected with GNAT1-related conditions. This variant is not present in population databases (gnomAD no frequency). This sequence change replaces serine, which is neutral and polar, with alanine, which is neutral and non-polar, at codon 130 of the GNAT1 protein (p.Ser130Ala).

NM_144499.3(GNAT1):c.388T>G (p.Ser130Ala)

Gene: GNAT1 (G protein subunit alpha transducin 1; plus strand). Cytogenetic location: 3p21.31.
Variant type: single nucleotide variant.
Coding change: c.388T>G on transcript NM_144499.3 (MANE Select); coding-DNA position 388, T replaced by G.
Protein change: p.Ser130Ala; replaces serine 130 with alanine.
Molecular consequence: missense variant.
Genome position (GRCh38, 1-based): chr3:50,193,602, T>G. VCF-style: chr3-50193602-T-G. GRCh37 (hg19) VCF-style: chr3-50231035-T-G.
Other names: c.388T>G, p.Ser130Ala (NM_000172.4); short protein forms S130A.
Identifiers: ClinVar variation 1438046 (VCV001438046.6), dbSNP rs928804929, ClinGen allele CA74601252.
Genomic context (GRCh38, chr3:50,193,602, plus strand): 5'-ATCGAGGAGGGCACGATGCCCAAGGAGATGTCGGACATCATCCAGCGGCTGTGGAAGGAC[T>G]CCGGTATCCAGGCCTGTTTTGAGCGCGCCTCGGAGTACCAGCTCAACGACTCGGCGGGCT-3'
Protein context (NP_653082.1, residues 120-140): SDIIQRLWKD[Ser130Ala]GIQACFERAS